The following is an entry in ClinVar:

NM_002693.3(POLG):c.3718T>C (p.Ter1240Gln)

Genes: FANCI (FA complementation group I; plus strand), POLG (DNA polymerase gamma, catalytic subunit; minus strand). Cytogenetic location: 15q26.1.
Variant type: single nucleotide variant.
Coding change: c.3718T>C on transcript NM_002693.3 (MANE Select); coding-DNA position 3718, T replaced by C.
Protein change: p.Ter1240Gln.
Molecular consequence: stop lost. On other transcripts: 3 prime UTR variant (4).
Genome position (GRCh38, 1-based): chr15:89,316,753, A>G on the plus strand (T>C on the coding strand, the complement: POLG is on the minus strand). VCF-style: chr15-89316753-A-G. GRCh37 (hg19) VCF-style: chr15-89859984-A-G.
Other names: c.3718T>C, p.Ter1240Gln (NM_001126131.2); c.*294A>G (NM_001113378.2, NM_001376910.1, NM_001376911.1 and 1 more transcripts).
Identifiers: ClinVar variation 3666183 (VCV003666183.2).
Genomic context (GRCh38, chr15:89,316,753, plus strand): 5'-GAGCCTGCACCACCCCGATGAAGCTCCACGGGAGCAAATACAGAGCCTCCAGGCAGTGCT[A>G]TGGTCCAGGCTGGCTTCGTTTTTCCAAGGAGCCTTTGGTGAGTTCAATTATCTGGTAAAT-3'

ClinVar aggregate classification (germline): Uncertain significance (1 of 4 stars; one submission).

Conditions:
Progressive sclerosing poliodystrophy (MTDPS4A). Also called: ALPERS PROGRESSIVE INFANTILE POLIODYSTROPHY; NEURONAL DEGENERATION OF CHILDHOOD WITH LIVER DISEASE, PROGRESSIVE; Alpers Syndrome; ALPERS DIFFUSE DEGENERATION OF CEREBRAL GRAY MATTER WITH HEPATIC CIRRHOSIS; Alpers-Huttenlocher Syndrome; Mitochondrial DNA depletion syndrome 4A (Alpers type). Identifiers: Orphanet 726, MedGen C0205710, MONDO:0008758, OMIM 203700.

gnomAD v4.1: 4 of 1,611,140 alleles (0.00025%); highest among the groups gnomAD compares: East Asian, 0.0022%; no homozygotes.

Submission:

Labcorp Genetics (formerly Invitae), Labcorp
Classification: Uncertain significance for Progressive sclerosing poliodystrophy. Last evaluated: 2024-12-02. Review status: criteria provided, single submitter. Criteria: Invitae Variant Classification Sherloc (09022015). Collection method: clinical testing. Allele origin: germline.
Comment: This sequence change disrupts the translational stop signal of the POLG mRNA. It is expected to extend the length of the POLG protein by 35 additional amino acid residues. This variant is present in population databases (no rsID available, gnomAD 0.006%). This protein extension has been observed in individuals with clinical features of autosomal recessive POLG-related conditions (PMID: 22189570). This variant is also known as p.X1240Q. Experimental studies and prediction algorithms are not available or were not evaluated, and the functional significance of this variant is currently unknown. In summary, the available evidence is currently insufficient to determine the role of this variant in disease. Therefore, it has been classified as a Variant of Uncertain Significance.

Literature cited by the submitters: PubMed 22189570.